The following is an entry in ClinVar:

ClinVar aggregate classification (germline): Uncertain significance. Review status: criteria provided, multiple submitters, no conflicts (2 of 4 stars). 2 submissions from 2 submitters: Uncertain significance (2). Last evaluated 2026-05-14.

Conditions:
Brachyolmia-amelogenesis imperfecta syndrome. Also called: Tooth agenesis, selective, 6; Dental anomalies and short stature; PLATYSPONDYLY WITH AMELOGENESIS IMPERFECTA. Identifiers: Orphanet 2899, MedGen C1832594, MONDO:0011018, OMIM 601216. Disease mechanism: loss of function.
Inborn genetic diseases. Identifiers: MedGen C0950123, MeSH D030342.

gnomAD v4.1: 3 of 1,530,128 alleles (0.0002%); highest among the groups gnomAD compares: Non-Finnish European, 0.00026%; no homozygotes.

Submissions (2):

Ambry Genetics
Classification: Uncertain significance for Inborn genetic diseases. Last evaluated: 2026-05-14. Review status: criteria provided, single submitter. Criteria: Ambry Variant Classification Scheme 2023. Collection method: clinical testing. Allele origin: germline.
Comment: The p.V1083E variant (also known as c.3248T>A), located in coding exon 24 of the LTBP3 gene, results from a T to A substitution at nucleotide position 3248. The valine at codon 1083 is replaced by glutamic acid, an amino acid with dissimilar properties. This amino acid position is conserved. In addition, the in silico prediction for this alteration is inconclusive. Based on the available evidence, the clinical significance of this variant remains unclear.

Labcorp Genetics (formerly Invitae), Labcorp
Classification: Uncertain significance for Brachyolmia-amelogenesis imperfecta syndrome. Last evaluated: 2025-09-03. Review status: criteria provided, single submitter. Criteria: Invitae Variant Classification Sherloc (09022015). Collection method: clinical testing. Allele origin: germline.
Comment: This sequence change replaces valine, which is neutral and non-polar, with glutamic acid, which is acidic and polar, at codon 1083 of the LTBP3 protein (p.Val1083Glu). This variant is not present in population databases (gnomAD no frequency). This variant has not been reported in the literature in individuals affected with LTBP3-related conditions. An algorithm developed to predict the effect of missense changes on protein structure and function (PolyPhen-2) suggests that this variant is likely to be disruptive. In summary, the available evidence is currently insufficient to determine the role of this variant in disease. Therefore, it has been classified as a Variant of Uncertain Significance.

NM_001130144.3(LTBP3):c.3248T>A (p.Val1083Glu)

Genes: LTBP3 (latent transforming growth factor beta binding protein 3; minus strand), LOC121832793 (Sharpr-MPRA regulatory region 4001; plus strand). Cytogenetic location: 11q13.1.
Variant type: single nucleotide variant.
Coding change: c.3248T>A on transcript NM_001130144.3 (MANE Select); coding-DNA position 3248, T replaced by A.
Protein change: p.Val1083Glu; replaces valine 1083 with glutamic acid.
Molecular consequence: missense variant. On other transcripts: intron variant (2).
Genome position (GRCh38, 1-based): chr11:65,540,150, A>T on the plus strand (T>A on the coding strand, the complement: LTBP3 is on the minus strand). VCF-style: chr11-65540150-A-T. GRCh37 (hg19) VCF-style: chr11-65307621-A-T.
Other names: c.3248T>A (NM_001130144.2); c.2893+95T>A (NM_001164266.1); c.3244+95T>A (NM_021070.4); short protein forms V1083E.
Identifiers: ClinVar variation 4703072 (VCV004703072.2).